The following is an entry in ClinVar:

NM_001165963.4(SCN1A):c.3376A>G (p.Asn1126Asp)

Genes: SCN1A (sodium voltage-gated channel alpha subunit 1; minus strand), LOC102724058 (uncharacterized LOC102724058; plus strand). Cytogenetic location: 2q24.3.
Variant type: single nucleotide variant.
Coding change: c.3376A>G on transcript NM_001165963.4 (MANE Select); coding-DNA position 3376, A replaced by G.
Protein change: p.Asn1126Asp; replaces asparagine 1126 with aspartic acid.
Molecular consequence: missense variant. On other transcripts: non-coding transcript variant (2).
Genome position (GRCh38, 1-based): chr2:166,036,101, T>C on the plus strand (A>G on the coding strand, the complement: SCN1A is on the minus strand). VCF-style: chr2-166036101-T-C. GRCh37 (hg19) VCF-style: chr2-166892611-T-C.
Other names: c.3292A>G, p.Asn1098Asp (NM_001165964.3, NM_001353957.2, NM_001353958.2); c.3376A>G, p.Asn1126Asp (NM_001202435.3, NM_001353948.2); c.3343A>G, p.Asn1115Asp (NM_001353949.2, NM_001353950.2, NM_001353951.2 and 2 more transcripts); c.3340A>G, p.Asn1114Asp (NM_001353954.2, NM_001353955.2); c.3289A>G, p.Asn1097Asp (NM_001353960.2); c.934A>G, p.Asn312Asp (NM_001353961.2); short protein forms N1115D, N1126D, N312D, N1098D, N1097D, N1114D.
Identifiers: ClinVar variation 1899866 (VCV001899866.5), dbSNP rs1226308717, ClinGen allele CA349059192.

ClinVar aggregate classification (germline): Uncertain significance (1 of 4 stars; one submission).

Conditions:
Early-infantile DEE. Also called: Ohtahara syndrome; Early infantile epileptic encephalopathy; Early infantile epileptic encephalopathy with suppression bursts. Identifiers: Orphanet 1934, MedGen C0393706, MONDO:0800491.

Allele frequency attached by ClinVar (database versions not stated): gnomAD exomes below 0.00001; TOPMed below 0.00001; gnomAD 0.00001.
gnomAD v4.1: 3 of 1,613,850 alleles (0.00019%); highest among the groups gnomAD compares: Admixed American, 0.005%; no homozygotes.

Submission:

Labcorp Genetics (formerly Invitae), Labcorp
Classification: Uncertain significance for Early-infantile DEE. Last evaluated: 2022-09-06. Review status: criteria provided, single submitter. Criteria: Invitae Variant Classification Sherloc (09022015). Collection method: clinical testing. Allele origin: germline.
Comment: This sequence change replaces asparagine, which is neutral and polar, with aspartic acid, which is acidic and polar, at codon 1126 of the SCN1A protein (p.Asn1126Asp). This variant is not present in population databases (gnomAD no frequency). This missense change has been observed in individual(s) with Ohtahara syndrome (PMID: 31780880). Advanced modeling of protein sequence and biophysical properties (such as structural, functional, and spatial information, amino acid conservation, physicochemical variation, residue mobility, and thermodynamic stability) performed at Invitae indicates that this missense variant is not expected to disrupt SCN1A protein function. Algorithms developed to predict the effect of sequence changes on RNA splicing suggest that this variant may create or strengthen a splice site. In summary, the available evidence is currently insufficient to determine the role of this variant in disease. Therefore, it has been classified as a Variant of Uncertain Significance.

Literature cited by the submitters: PubMed 31780880.